The following is an entry in ClinVar:

ClinVar aggregate classification (germline): Likely pathogenic. Review status: criteria provided, multiple submitters, no conflicts (2 of 4 stars). 6 submissions from 6 submitters: Likely pathogenic (6). Last evaluated 2025-08-08.

Conditions:
CWC27-related disorder. Also called: CWC27-related condition.
Metaphyseal chondrodysplasia-retinitis pigmentosa syndrome. Also called: Retinitis pigmentosa with or without skeletal anomalies. Identifiers: Orphanet 166035, MedGen C1855188, MONDO:0009598, OMIM 250410.

Allele frequency attached by ClinVar (database versions not stated): gnomAD 0.00001; gnomAD exomes 0.00002 and 0.00003; ExAC 0.00004.
gnomAD v4.1: 24 of 1,609,414 alleles (0.0015%); highest among the groups gnomAD compares: Non-Finnish European, 0.002%; no homozygotes.

Submissions (7):

First Genomix Gene Laboratory, Genetic Diagnostics Department
Classification: Likely pathogenic for Metaphyseal chondrodysplasia-retinitis pigmentosa syndrome. Last evaluated: 2025-08-08. Review status: criteria provided, single submitter. Criteria: ACMG Guidelines, 2015. Collection method: clinical testing. Allele origin: germline. Inheritance: Autosomal recessive inheritance. Affected: no. Observed: 1 variant allele.

Dasa
Classification: Likely pathogenic. Last evaluated: 2025-06-20. Review status: criteria provided, single submitter. Criteria: DASA Assertion Criteria. Collection method: clinical testing. Allele origin: germline.
Comment: NM_005869.4(CWC27):c.938+2T>C affects a canonical splice site and is predicted to disrupt normal RNA splicing. Loss of function is an established disease mechanism for CWC27-associated disorders. Also, this variant is rare in population databases. Based on the currently available evidence, this variant is classified as likely pathogenic.

PreventionGenetics, part of Exact Sciences
Classification: Likely pathogenic for CWC27-related condition. Last evaluated: 2025-03-24. Review status: criteria provided, single submitter. Criteria: ACMG Guidelines, 2015. Collection method: clinical testing. Allele origin: germline.
Comment: The CWC27 c.938+2T>C variant is predicted to disrupt the GT donor site and interfere with normal splicing. This variant has been reported in a carrier study of retinitis pigmentosa (search rs767210188 in Table S3, Hanany et al. 2020. PubMed ID: 31964843). This variant is reported in 0.0072% of alleles in individuals of European (Non-Finnish) descent in gnomAD. Variants that disrupt the consensus splice donor site in CWC27 are expected to be pathogenic. This variant is interpreted as likely pathogenic.

Labcorp Genetics (formerly Invitae), Labcorp
Classification: Likely pathogenic. Last evaluated: 2024-11-23. Review status: criteria provided, single submitter. Criteria: Invitae Variant Classification Sherloc (09022015). Collection method: clinical testing. Allele origin: germline.
Comment: This sequence change affects a donor splice site in intron 10 of the CWC27 gene. It is expected to disrupt RNA splicing. Variants that disrupt the donor or acceptor splice site typically lead to a loss of protein function (PMID: 16199547), and loss-of-function variants in CWC27 are known to be pathogenic (PMID: 28285769). This variant is present in population databases (rs767210188, gnomAD 0.007%). This variant has not been reported in the literature in individuals affected with CWC27-related conditions. ClinVar contains an entry for this variant (Variation ID: 1068418). Algorithms developed to predict the effect of sequence changes on RNA splicing suggest that this variant may disrupt the consensus splice site. In summary, the currently available evidence indicates that the variant is pathogenic, but additional data are needed to prove that conclusively. Therefore, this variant has been classified as Likely Pathogenic.

Fulgent Genetics
Classification: Likely pathogenic for Metaphyseal chondrodysplasia-retinitis pigmentosa syndrome. Last evaluated: 2024-04-09. Review status: criteria provided, single submitter. Criteria: ACMG Guidelines, 2015. Collection method: clinical testing. Allele origin: germline.

Blueprint Genetics
Classification: Likely pathogenic for CWC27-related disorders. Last evaluated: 2024-03-16. Review status: criteria provided, single submitter. Criteria: ACMG Guidelines, 2015. Collection method: clinical testing. Allele origin: germline. Affected: yes. Observed: 5 variant alleles.

Dr. Peter K. Rogan Lab, Western University
No classification provided (evidence only). Condition: Familial pancreatic carcinoma. Review status: no classification provided. Collection method: in vitro. Allele origin: not applicable. Functional consequence: retained intron. Not counted in ClinVar's aggregate classification.

Literature cited by the submitters: PubMed 16199547 (cited by Labcorp Genetics (formerly Invitae), Labcorp); PubMed 28285769 (cited by Labcorp Genetics (formerly Invitae), Labcorp).

NM_005869.4(CWC27):c.938+2T>C

Gene: CWC27 (CWC27 spliceosome associated cyclophilin; plus strand). Cytogenetic location: 5q12.3.
Variant type: single nucleotide variant.
Coding change: c.938+2T>C on transcript NM_005869.4 (MANE Select); the canonical splice donor site of the intron after coding-DNA position 938, T replaced by C.
Molecular consequence: splice donor variant.
Genome position (GRCh38, 1-based): chr5:64,804,388, T>C. VCF-style: chr5-64804388-T-C. GRCh37 (hg19) VCF-style: chr5-64100215-T-C.
Other names: c.938+2T>C (NM_001297644.1, NM_001364478.1, NM_001318000.2 and 2 more transcripts).
Identifiers: ClinVar variation 1068418 (VCV001068418.14), dbSNP rs767210188, ClinGen allele CA3282126.